The following is an entry in ClinVar:

ClinVar aggregate classification (germline): Uncertain significance (1 of 4 stars; one submission).

Submission:

Labcorp Genetics (formerly Invitae), Labcorp
Classification: Uncertain significance. Last evaluated: 2023-07-07. Review status: criteria provided, single submitter. Criteria: Invitae Variant Classification Sherloc (09022015). Collection method: clinical testing. Allele origin: germline.
Comment: ClinVar contains an entry for this variant (Variation ID: 1417054). In summary, the available evidence is currently insufficient to determine the role of this variant in disease. Therefore, it has been classified as a Variant of Uncertain Significance. Experimental studies and prediction algorithms are not available or were not evaluated, and the functional significance of this variant is currently unknown. This variant has not been reported in the literature in individuals affected with COQ8A-related conditions. This variant is not present in population databases (gnomAD no frequency). This variant, c.1284_1286del, results in the deletion of 1 amino acid(s) of the COQ8A protein (p.Tyr429del), but otherwise preserves the integrity of the reading frame.

NM_020247.5(COQ8A):c.1284_1286del (p.Tyr429del)

Gene: COQ8A (coenzyme Q8A; plus strand). Cytogenetic location: 1q42.13.
Variant type: Deletion.
Coding change: c.1284_1286del on transcript NM_020247.5 (MANE Select); coding-DNA positions 1284 to 1286, 3 bases deleted (CTA; older notation c.1284_1286delCTA).
Protein change: p.Tyr429del; deletes tyrosine 429.
Molecular consequence: inframe deletion.
Genome position (GRCh38, 1-based): chr1:226,984,121-226,984,123, CTA deleted. VCF-style (leftmost placement, unchanged base first): chr1-226984120-TCTA-T. GRCh37 (hg19) VCF-style: chr1-227171821-TCTA-T.
Other names: short protein forms Y429del.
Identifiers: ClinVar variation 1417054 (VCV001417054.6), dbSNP rs2148132740, ClinGen allele CA2573132783.